The following is an entry in ClinVar:

ClinVar aggregate classification (germline): Benign/Likely benign. Review status: criteria provided, multiple submitters, no conflicts (2 of 4 stars). 3 submissions from 3 submitters: Benign (1); Likely benign (2). Last evaluated 2025-10-18.

Conditions:
Hereditary cancer-predisposing syndrome. Also called: Hereditary Cancer Syndrome; Neoplastic Syndromes, Hereditary; Hereditary neoplastic syndrome; Tumor predisposition. Identifiers: Orphanet 140162, MedGen C0027672, MeSH D009386, MONDO:0015356.
Prostate cancer, hereditary, 9 (HPC9). Identifiers: Orphanet 1331, MedGen C1970250, MONDO:0012597, OMIM 610997.

Submissions (3):

Labcorp Genetics (formerly Invitae), Labcorp
Classification: Likely benign. Last evaluated: 2025-10-18. Review status: criteria provided, single submitter. Criteria: Invitae Variant Classification Sherloc (09022015). Collection method: clinical testing. Allele origin: germline.

Myriad Genetics, Inc.
Classification: Benign for Prostate cancer, hereditary, 9. Last evaluated: 2024-10-29. Review status: criteria provided, single submitter. Criteria: Myriad Autosomal Dominant, Autosomal Recessive and X-Linked Classification Criteria (2023). Collection method: clinical testing. Allele origin: unknown.
Comment: This variant is considered benign. This variant is a silent/synonymous amino acid change and it is not expected to impact splicing.

Ambry Genetics
Classification: Likely benign for Hereditary cancer-predisposing syndrome. Last evaluated: 2023-10-16. Review status: criteria provided, single submitter. Criteria: Ambry Variant Classification Scheme 2023. Collection method: clinical testing. Allele origin: germline.

NM_006361.6(HOXB13):c.234G>C (p.Val78=)

Gene: HOXB13 (homeobox B13; minus strand). Cytogenetic location: 17q21.32.
Variant type: single nucleotide variant.
Coding change: c.234G>C on transcript NM_006361.6 (MANE Select); coding-DNA position 234, G replaced by C.
Protein change: p.Val78=; no amino-acid change (valine 78 retained).
Molecular consequence: synonymous variant.
Genome position (GRCh38, 1-based): chr17:48,728,360, C>G on the plus strand (G>C on the coding strand, the complement: HOXB13 is on the minus strand). VCF-style: chr17-48728360-C-G. GRCh37 (hg19) VCF-style: chr17-46805722-C-G.
Identifiers: ClinVar variation 2032683 (VCV002032683.6), dbSNP rs924383022, ClinGen allele CA291350738.